The following is an entry in ClinVar:

ClinVar aggregate classification (germline): Uncertain significance (1 of 4 stars; one submission).

Conditions:
Bardet-Biedl syndrome 16 (BBS16). Identifiers: Orphanet 110, MedGen C3889474, MONDO:0014444, OMIM 615993.
Senior-Loken syndrome 7 (SLSN7). Identifiers: Orphanet 3156, MedGen C3150877, MONDO:0013326, OMIM 613615.

Allele frequency attached by ClinVar (database versions not stated): gnomAD 0.00001; ExAC 0.00003; 1000 Genomes Project 30x 0.00016; 1000 Genomes Project 0.00020.
gnomAD v4.1: 11 of 1,614,014 alleles (0.00068%); highest among the groups gnomAD compares: South Asian, 0.011%; no homozygotes.

Submission:

Labcorp Genetics (formerly Invitae), Labcorp
Classification: Uncertain significance for Bardet-Biedl syndrome 16; Senior-Loken syndrome 7. Last evaluated: 2024-06-03. Review status: criteria provided, single submitter. Criteria: Invitae Variant Classification Sherloc (09022015). Collection method: clinical testing. Allele origin: germline.
Comment: This sequence change falls in intron 10 of the SDCCAG8 gene. It does not directly change the encoded amino acid sequence of the SDCCAG8 protein. It affects a nucleotide within the consensus splice site. This variant is present in population databases (rs527785150, gnomAD 0.02%). This variant has not been reported in the literature in individuals affected with SDCCAG8-related conditions. ClinVar contains an entry for this variant (Variation ID: 1979452). Variants that disrupt the consensus splice site are a relatively common cause of aberrant splicing (PMID: 17576681, 9536098). Algorithms developed to predict the effect of sequence changes on RNA splicing suggest that this variant is not likely to affect RNA splicing. In summary, the available evidence is currently insufficient to determine the role of this variant in disease. Therefore, it has been classified as a Variant of Uncertain Significance.

Literature cited by the submitters: PubMed 17576681; PubMed 9536098.

NM_006642.5(SDCCAG8):c.1221+4C>G

Gene: SDCCAG8 (SHH signaling and ciliogenesis regulator SDCCAG8; plus strand). Cytogenetic location: 1q43.
Variant type: single nucleotide variant.
Coding change: c.1221+4C>G on transcript NM_006642.5 (MANE Select); 4 bases into the intron after coding-DNA position 1221, C replaced by G.
Molecular consequence: intron variant.
Genome position (GRCh38, 1-based): chr1:243,330,696, C>G. VCF-style: chr1-243330696-C-G. GRCh37 (hg19) VCF-style: chr1-243493998-C-G.
Other names: c.927+4C>G (NM_001350249.2); c.318+4C>G (NM_001350251.2, NM_001350246.2, NM_001350247.2); c.1317+4C>G (NM_001350248.2).
Identifiers: ClinVar variation 1979452 (VCV001979452.3), dbSNP rs527785150, ClinGen allele CA1483584.